The following is an entry in ClinVar:

ClinVar aggregate classification (germline): Uncertain significance. Review status: criteria provided, multiple submitters, no conflicts (2 of 4 stars). 2 submissions from 2 submitters: Uncertain significance (2). Last evaluated 2025-06-07.

Conditions:
Inborn genetic diseases. Identifiers: MedGen C0950123, MeSH D030342.

Allele frequency attached by ClinVar (database versions not stated): TOPMed 0.00001; ExAC 0.00003; gnomAD 0.00003; gnomAD exomes 0.00003.
gnomAD v4.1: 56 of 1,613,326 alleles (0.0035%); highest among the groups gnomAD compares: South Asian, 0.018%; 1 homozygote.

Submissions (2):

Ambry Genetics
Classification: Uncertain significance for Inborn genetic diseases. Last evaluated: 2025-06-07. Review status: criteria provided, single submitter. Criteria: Ambry Variant Classification Scheme 2023. Collection method: clinical testing. Allele origin: germline.

Labcorp Genetics (formerly Invitae), Labcorp
Classification: Uncertain significance. Last evaluated: 2022-02-05. Review status: criteria provided, single submitter. Criteria: Invitae Variant Classification Sherloc (09022015). Collection method: clinical testing. Allele origin: germline.
Comment: In summary, the available evidence is currently insufficient to determine the role of this variant in disease. Therefore, it has been classified as a Variant of Uncertain Significance. Algorithms developed to predict the effect of missense changes on protein structure and function are either unavailable or do not agree on the potential impact of this missense change (SIFT: "Tolerated"; PolyPhen-2: "Possibly Damaging"; Align-GVGD: "Class C0"). This variant has not been reported in the literature in individuals affected with HSPG2-related conditions. This variant is present in population databases (rs761563926, gnomAD 0.01%). This sequence change replaces glycine, which is neutral and non-polar, with arginine, which is basic and polar, at codon 2474 of the HSPG2 protein (p.Gly2474Arg).

NM_005529.7(HSPG2):c.7420G>A (p.Gly2474Arg)

Gene: HSPG2 (heparan sulfate proteoglycan 2; minus strand). Cytogenetic location: 1p36.12.
Variant type: single nucleotide variant.
Coding change: c.7420G>A on transcript NM_005529.7 (MANE Select); coding-DNA position 7420, G replaced by A.
Protein change: p.Gly2474Arg; replaces glycine 2474 with arginine.
Molecular consequence: missense variant.
Genome position (GRCh38, 1-based): chr1:21,850,067, C>T on the plus strand (G>A on the coding strand, the complement: HSPG2 is on the minus strand). VCF-style: chr1-21850067-C-T. GRCh37 (hg19) VCF-style: chr1-22176560-C-T.
Other names: c.7420G>A (NM_005529.5); c.7423G>A, p.Gly2475Arg (NM_001291860.2); short protein forms G2475R, G2474R.
Identifiers: ClinVar variation 1468235 (VCV001468235.9), dbSNP rs761563926, ClinGen allele CA671194.